The following is an entry in ClinVar:

ClinVar aggregate classification (germline): Uncertain significance (1 of 4 stars; one submission).

Conditions:
Epileptic encephalopathy. Identifiers: MedGen C0543888, HP:0200134.

Submission:

Labcorp Genetics (formerly Invitae), Labcorp
Classification: Uncertain significance for Epileptic encephalopathy. Last evaluated: 2021-04-08. Review status: criteria provided, single submitter. Criteria: Invitae Variant Classification Sherloc (09022015). Collection method: clinical testing. Allele origin: germline.
Comment: In summary, the available evidence is currently insufficient to determine the role of this variant in disease. Therefore, it has been classified as a Variant of Uncertain Significance. Algorithms developed to predict the effect of missense changes on protein structure and function (SIFT, PolyPhen-2, Align-GVGD) all suggest that this variant is likely to be tolerated, but these predictions have not been confirmed by published functional studies and their clinical significance is uncertain. This sequence change replaces aspartic acid with glycine at codon 970 of the FASN protein (p.Asp970Gly). The aspartic acid residue is weakly conserved and there is a moderate physicochemical difference between aspartic acid and glycine. This variant is not present in population databases (ExAC no frequency). This variant has not been reported in the literature in individuals with FASN-related conditions.

NM_004104.5(FASN):c.2909A>G (p.Asp970Gly)

Gene: FASN (fatty acid synthase; minus strand). Cytogenetic location: 17q25.3.
Variant type: single nucleotide variant.
Coding change: c.2909A>G on transcript NM_004104.5 (MANE Select); coding-DNA position 2909, A replaced by G.
Protein change: p.Asp970Gly; replaces aspartic acid 970 with glycine.
Molecular consequence: missense variant.
Genome position (GRCh38, 1-based): chr17:82,087,819, T>C on the plus strand (A>G on the coding strand, the complement: FASN is on the minus strand). VCF-style: chr17-82087819-T-C. GRCh37 (hg19) VCF-style: chr17-80045695-T-C.
Other names: short protein forms D970G.
Identifiers: ClinVar variation 1524317 (VCV001524317.8), dbSNP rs1230079847, ClinGen allele CA401555492.
Genomic context (GRCh38, chr17:82,087,819, plus strand): 5'-ACTTCAGCCTGGGCCAGGAAGAGGGGCTCCGTGGGGTTGGGGGTGGGGCTTTCCGGGTGG[T>C]CGAAGAGCCTGGGGTCAGGGTCATCCCACTGGTACACCTTCCCTGTGGAAAGGGAGGTGC-3'
Protein context (NP_004095.4, residues 960-980): QWDDPDPRLF[Asp970Gly]HPESPTPNPT